The following is an entry in ClinVar:

ClinVar aggregate classification (germline): Uncertain significance. Review status: criteria provided, multiple submitters, no conflicts (2 of 4 stars). 2 submissions from 2 submitters: Uncertain significance (2). Last evaluated 2023-05-15.

Conditions:
Hereditary cancer-predisposing syndrome. Also called: Tumor predisposition; Neoplastic Syndromes, Hereditary; Hereditary Cancer Syndrome; Hereditary neoplastic syndrome. Identifiers: Orphanet 140162, MedGen C0027672, MeSH D009386, MONDO:0015356.
Ataxia-telangiectasia syndrome (AT). Also called: ATAXIA-TELANGIECTASIA, FRESNO VARIANT; Ataxia-telangiectasia, complementation group D; AT, COMPLEMENTATION GROUP C; Ataxia-telangiectasia; Ataxia-telangiectasia, complementation group E; Ataxia telangiectasia (A-T). Identifiers: Orphanet 100, MedGen C0004135, MONDO:0008840, OMIM 208900.

Submissions (2):

Ambry Genetics
Classification: Uncertain significance for Hereditary cancer-predisposing syndrome. Last evaluated: 2023-05-15. Review status: criteria provided, single submitter. Criteria: Ambry Variant Classification Scheme 2023. Collection method: clinical testing. Allele origin: germline.
Comment: The p.I1792M variant (also known as c.5376A>G), located in coding exon 35 of the ATM gene, results from an A to G substitution at nucleotide position 5376. The isoleucine at codon 1792 is replaced by methionine, an amino acid with highly similar properties. This amino acid position is conserved. In addition, this alteration is predicted to be tolerated by in silico analysis. Since supporting evidence is limited at this time, the clinical significance of this alteration remains unclear.

Labcorp Genetics (formerly Invitae), Labcorp
Classification: Uncertain significance for Ataxia-telangiectasia syndrome. Last evaluated: 2020-05-13. Review status: criteria provided, single submitter. Criteria: Invitae Variant Classification Sherloc (09022015). Collection method: clinical testing. Allele origin: germline.
Comment: This sequence change replaces isoleucine with methionine at codon 1792 of the ATM protein (p.Ile1792Met). The isoleucine residue is weakly conserved and there is a small physicochemical difference between isoleucine and methionine. In summary, the available evidence is currently insufficient to determine the role of this variant in disease. Therefore, it has been classified as a Variant of Uncertain Significance. Algorithms developed to predict the effect of missense changes on protein structure and function output the following: SIFT: "Tolerated"; PolyPhen-2: "Benign"; Align-GVGD: "Class C0". The methionine amino acid residue is found in multiple mammalian species, suggesting that this missense change does not adversely affect protein function. These predictions have not been confirmed by published functional studies and their clinical significance is uncertain. This variant has not been reported in the literature in individuals with ATM-related conditions. This variant is not present in population databases (ExAC no frequency).

NM_000051.4(ATM):c.5376A>G (p.Ile1792Met)

Gene: ATM (ATM serine/threonine kinase; plus strand). Cytogenetic location: 11q22.3.
Variant type: single nucleotide variant.
Coding change: c.5376A>G on transcript NM_000051.4 (MANE Select); coding-DNA position 5376, A replaced by G.
Protein change: p.Ile1792Met; replaces isoleucine 1792 with methionine.
Molecular consequence: missense variant.
Genome position (GRCh38, 1-based): chr11:108,302,909, A>G. VCF-style: chr11-108302909-A-G. GRCh37 (hg19) VCF-style: chr11-108173636-A-G.
Other names: c.5376A>G, p.Ile1792Met (NM_001351834.2); c.5376A>G (NM_000051.3); short protein forms I1792M.
Identifiers: ClinVar variation 1059469 (VCV001059469.10), dbSNP rs1287734608, ClinGen allele CA382543484.
Genomic context (GRCh38, chr11:108,302,909, plus strand): 5'-CTAGTTTTTAGAAGTACCCAGATTTGACAAAGAAAACCCTTTTGAAGGCCTGGATGATAT[A>G]AATCTGTGGATTCCTCTAAGTGAAAATCATGACATTTGGATAAAGACACTGACTTGTGCT-3'
Protein context (NP_000042.3, residues 1782-1802): KENPFEGLDD[Ile1792Met]NLWIPLSENH